The following is an entry in ClinVar:

ClinVar aggregate classification (germline): Uncertain significance (1 of 4 stars; one submission).

Conditions:
Developmental and epileptic encephalopathy, 54. Also called: Epileptic encephalopathy, early infantile, 54; HNRNPU-Related Neurodevelopmental Disorder. Identifiers: MedGen C4479319, MONDO:0033363, OMIM 617391.

Allele frequency attached by ClinVar (database versions not stated): gnomAD exomes below 0.00001 and 0.00001; TOPMed below 0.00001; gnomAD 0.00001.
gnomAD v4.1: 5 of 1,613,372 alleles (0.00031%); highest among the groups gnomAD compares: East Asian, 0.0022%; no homozygotes.

Submission:

Labcorp Genetics (formerly Invitae), Labcorp
Classification: Uncertain significance for Developmental and epileptic encephalopathy, 54. Last evaluated: 2025-03-03. Review status: criteria provided, single submitter. Criteria: Invitae Variant Classification Sherloc (09022015). Collection method: clinical testing. Allele origin: germline.
Comment: This sequence change replaces threonine, which is neutral and polar, with isoleucine, which is neutral and non-polar, at codon 653 of the HNRNPU protein (p.Thr653Ile). This variant is present in population databases (no rsID available, gnomAD 0.003%). This variant has not been reported in the literature in individuals affected with HNRNPU-related conditions. ClinVar contains an entry for this variant (Variation ID: 1468690). Invitae Evidence Modeling of protein sequence and biophysical properties (such as structural, functional, and spatial information, amino acid conservation, physicochemical variation, residue mobility, and thermodynamic stability) indicates that this missense variant is not expected to disrupt HNRNPU protein function with a negative predictive value of 95%. In summary, the available evidence is currently insufficient to determine the role of this variant in disease. Therefore, it has been classified as a Variant of Uncertain Significance.

NM_031844.3(HNRNPU):c.1958C>T (p.Thr653Ile)

Gene: HNRNPU (heterogeneous nuclear ribonucleoprotein U; minus strand). Cytogenetic location: 1q44.
Variant type: single nucleotide variant.
Coding change: c.1958C>T on transcript NM_031844.3 (MANE Select); coding-DNA position 1958, C replaced by T.
Protein change: p.Thr653Ile; replaces threonine 653 with isoleucine.
Molecular consequence: missense variant.
Genome position (GRCh38, 1-based): chr1:244,856,113, G>A on the plus strand (C>T on the coding strand, the complement: HNRNPU is on the minus strand). VCF-style: chr1-244856113-G-A. GRCh37 (hg19) VCF-style: chr1-245019415-G-A.
Other names: c.1901C>T, p.Thr634Ile (NM_004501.3); short protein forms T653I, T634I.
Identifiers: ClinVar variation 1468690 (VCV001468690.8), dbSNP rs1206290880, ClinGen allele CA345488482.
Genomic context (GRCh38, chr1:244,856,113, plus strand): 5'-CTTTCTTCCTTATATTGCTCCAAGAGTTTTTGGGCTTCTTCCTTCTGAAGTTCAACATAG[G>A]TTATTTCATCAAAGCACTCAGCTACCTCTGGGAGGGTAAAGTTTCCTGCAGGAAACAAAG-3'
Protein context (NP_114032.2, residues 643-663): PEVAECFDEI[Thr653Ile]YVELQKEEAQ